The following is an entry in ClinVar:

ClinVar aggregate classification (germline): Uncertain significance. Review status: criteria provided, single submitter (1 of 4 stars). 2 submissions from 2 submitters: Uncertain significance (1). 1 of the submissions does not count toward it. Last evaluated 2022-07-30.

Conditions:
Hereditary insensitivity to pain with anhidrosis (CIPA). Also called: HSAN Type IV; INSENSITIVITY TO PAIN, CONGENITAL, WITH ANHIDROSIS; hereditary sensory and autonomic neuropathy type 4; FAMILIAL DYSAUTONOMIA, TYPE II; NEUROPATHY, CONGENITAL SENSORY, WITH ANHIDROSIS; NTRK1 Congenital Insensitivity to Pain with Anhidrosis. Identifiers: Orphanet 642, MedGen C0020074, MONDO:0009746, OMIM 256800.

Allele frequency attached by ClinVar (database versions not stated): gnomAD exomes 0.00001 and 0.00002; TOPMed 0.00001.
gnomAD v4.1: 29 of 1,559,172 alleles (0.0019%); highest among the groups gnomAD compares: East Asian, 0.0048%; no homozygotes.

Submissions (2):

Labcorp Genetics (formerly Invitae), Labcorp
Classification: Uncertain significance for Hereditary insensitivity to pain with anhidrosis. Last evaluated: 2022-07-30. Review status: criteria provided, single submitter. Criteria: Invitae Variant Classification Sherloc (09022015). Collection method: clinical testing. Allele origin: germline.
Comment: This sequence change replaces asparagine, which is neutral and polar, with serine, which is neutral and polar, at codon 202 of the NTRK1 protein (p.Asn202Ser). The frequency data for this variant in the population databases is considered unreliable, as metrics indicate poor data quality at this position in the gnomAD database. This variant has not been reported in the literature in individuals affected with NTRK1-related conditions. ClinVar contains an entry for this variant (Variation ID: 641894). Advanced modeling of protein sequence and biophysical properties (such as structural, functional, and spatial information, amino acid conservation, physicochemical variation, residue mobility, and thermodynamic stability) performed at Invitae indicates that this missense variant is not expected to disrupt NTRK1 protein function. In summary, the available evidence is currently insufficient to determine the role of this variant in disease. Therefore, it has been classified as a Variant of Uncertain Significance.

Natera, Inc.
Classification: Uncertain significance for Hereditary insensitivity to pain with anhidrosis. Last evaluated: 2020-01-09. Review status: no assertion criteria provided. Collection method: clinical testing. Allele origin: germline. Not counted in ClinVar's aggregate classification.

NM_002529.4(NTRK1):c.605A>G (p.Asn202Ser)

Gene: NTRK1 (neurotrophic receptor tyrosine kinase 1; plus strand). Cytogenetic location: 1q23.1.
Variant type: single nucleotide variant.
Coding change: c.605A>G on transcript NM_002529.4 (MANE Select); coding-DNA position 605, A replaced by G.
Protein change: p.Asn202Ser; replaces asparagine 202 with serine.
Molecular consequence: missense variant.
Genome position (GRCh38, 1-based): chr1:156,868,535, A>G. VCF-style: chr1-156868535-A-G. GRCh37 (hg19) VCF-style: chr1-156838327-A-G.
Other names: c.515A>G, p.Asn172Ser (NM_001007792.1); c.605A>G, p.Asn202Ser (NM_001012331.2); short protein forms N202S, N172S.
Identifiers: ClinVar variation 641894 (VCV000641894.5), dbSNP rs1475036463, ClinGen allele CA342934254.
Genomic context (GRCh38, chr1:156,868,535, plus strand): 5'-CCTTGGCCCTCGGGCGTCCTGGGTGGCCAGGTGTGCCCACGCTGAAGGTCCAGGTGCCCA[A>G]TGCCTCGGTGGATGTGGGGGACGACGTGCTGCTGCGGTGCCAGGTGGAGGGGCGGGGCCT-3'
Protein context (NP_002520.2, residues 192-212): GVPTLKVQVP[Asn202Ser]ASVDVGDDVL